The following is an entry in ClinVar:

NM_007294.4(BRCA1):c.4410A>T (p.Glu1470Asp)

Gene: BRCA1 (BRCA1 DNA repair associated; minus strand). Cytogenetic location: 17q21.31.
Variant type: single nucleotide variant.
Coding change: c.4410A>T on transcript NM_007294.4 (MANE Select); coding-DNA position 4410, A replaced by T.
Protein change: p.Glu1470Asp; replaces glutamic acid 1470 with aspartic acid.
Molecular consequence: missense variant. On other transcripts: non-coding transcript variant (1).
Genome position (GRCh38, 1-based): chr17:43,076,562, T>A on the plus strand (A>T on the coding strand, the complement: BRCA1 is on the minus strand). VCF-style: chr17-43076562-T-A. GRCh37 (hg19) VCF-style: chr17-41228579-T-A.
Other names: p.E1470D:GAA>GAT; 4529A>T; c.4197A>T, p.Glu1399Asp (NM_001407571.1, NM_001407894.1, NM_001407895.1 and 12 more transcripts); c.4476A>T, p.Glu1492Asp (NM_001407581.1, NM_001407582.1); c.4473A>T, p.Glu1491Asp (NM_001407583.1, NM_001407585.1, NM_001407587.1 and 1 more transcripts); c.4470A>T, p.Glu1490Asp (NM_001407590.1, NM_001407591.1); c.4410A>T, p.Glu1470Asp (NM_001407593.1, NM_001407594.1, NM_001407596.1 and 8 more transcripts); c.4407A>T, p.Glu1469Asp (NM_001407610.1, NM_001407611.1, NM_001407622.1 and 17 more transcripts); and 70 more; short protein forms E1470D, E1491D, E1423D, E366D, E1174D, E1381D, E1398D, E1421D.
Identifiers: ClinVar variation 89064 (VCV000089064.64), dbSNP rs80357075, ClinGen allele CA002829.

ClinVar aggregate classification (germline): Conflicting classifications of pathogenicity. Review status: criteria provided, conflicting classifications (1 of 4 stars). 18 submissions from 18 submitters: Uncertain significance (2); Benign (2); Likely benign (11). 3 of the submissions do not count toward it. Last evaluated 2026-02-03.

Conditions:
Breast-ovarian cancer, familial, susceptibility to, 1 (BROVCA1). Also called: BRCA1 Hereditary Breast and Ovarian Cancer; OVARIAN CANCER, SUSCEPTIBILITY TO. Identifiers: Orphanet 145, MedGen C2676676, MONDO:0011450, OMIM 604370. Disease mechanism: loss of function.
Familial cancer of breast. Also called: hereditary breast carcinoma; BREAST CANCER, FAMILIAL; Hereditary breast cancer. Identifiers: Orphanet 227535, MedGen C0346153, MONDO:0016419, OMIM 114480. Disease mechanism: loss of function.
Fanconi anemia, complementation group S (FANCS). Identifiers: MedGen C4554406, MONDO:0054748, OMIM 617883.
Hereditary cancer-predisposing syndrome. Also called: Hereditary Cancer Syndrome; Hereditary neoplastic syndrome; Neoplastic Syndromes, Hereditary; Tumor predisposition. Identifiers: Orphanet 140162, MedGen C0027672, MeSH D009386, MONDO:0015356.
Hereditary breast ovarian cancer syndrome. Also called: BRCA1- and BRCA2-Associated Hereditary Breast and Ovarian Cancer; Hereditary breast and ovarian cancer syndrome; Hereditary breast and ovarian cancer syndrome (HBOC); Breast and ovarian cancer; Hereditary breast and/or ovarian cancer syndrome; Hereditary breast and ovarian cancer. Identifiers: Orphanet 145, MedGen C0677776, MeSH D061325, MONDO:0003582. Disease mechanism: loss of function.

Allele frequency attached by ClinVar (database versions not stated): TOPMed 0.00033; ExAC 0.00002; gnomAD exomes 0.00002; gnomAD 0.00016; 1000 Genomes Project 0.00040; 1000 Genomes Project 30x 0.00047.
gnomAD v4.1: 46 of 1,613,734 alleles (0.0029%); highest among the groups gnomAD compares: Admixed American, 0.065%; no homozygotes.

Submissions (18):

Labcorp Genetics (formerly Invitae), Labcorp
Classification: Likely benign for Hereditary breast ovarian cancer syndrome. Last evaluated: 2026-02-03. Review status: criteria provided, single submitter. Criteria: Invitae Variant Classification Sherloc (09022015). Collection method: clinical testing. Allele origin: germline.

Dasa
Classification: Likely benign for Breast-ovarian cancer, familial, susceptibility to, 1. Last evaluated: 2026-01-19. Review status: criteria provided, single submitter. Criteria: DASA Assertion Criteria. Collection method: clinical testing. Allele origin: germline.
Comment: NM_007294.4(BRCA1):c.4410A>T (p.Glu1470Asp) is a missense variant that results in the substitution of glutamic acid with aspartic acid. Functional evidence is consistent with no deleterious impact on the gene or gene product. Therefore, based on the currently available evidence, this variant is classified as likely benign.

Quest Diagnostics Nichols Institute San Juan Capistrano
Classification: Likely benign. Last evaluated: 2025-08-27. Review status: criteria provided, single submitter. Criteria: Quest Diagnostics criteria. Collection method: clinical testing. Allele origin: unknown.

Mayo Clinic Laboratories, Mayo Clinic
Classification: Benign. Last evaluated: 2024-12-30. Review status: criteria provided, single submitter. Criteria: ACMG Guidelines, 2015. Collection method: clinical testing. Allele origin: germline. Observed: 1 variant allele.
Comment: BS1_supporting, BS3, BP1_strong

Women's Health and Genetics/Laboratory Corporation of America, LabCorp
Classification: Likely benign. Last evaluated: 2024-11-12. Review status: criteria provided, single submitter. Criteria: LabCorp Variant Classification Summary - May 2015. Collection method: clinical testing. Allele origin: germline.
Comment: Variant summary: BRCA1 c.4410A>T (p.Glu1470Asp) results in a conservative amino acid change in the encoded protein sequence. Five of five in-silico tools predict a benign effect of the variant on protein function. The variant allele was found at a frequency of 1.6e-05 in 251242 control chromosomes, predominantly at a frequency of 8.7e-05 within the Latino subpopulation in the gnomAD database. The available data on variant occurrences in the general population are insufficient to allow any conclusion about variant significance. c.4410A>T has been reported in the literature in individuals with a personal and/or family history of breast/ovarian cancers (examples : Judkins_2005, Borg_2010, Dutil_2012, Diaz-Zabala_2018, Matta_2022). However, these reports do not provide unequivocal conclusions about association of the variant with Hereditary Breast And Ovarian Cancer Syndrome. Co-occurrences with the same pathogenic variant have been reported in 3 separate individuals (BRCA2 c.3922G>T, p.Glu1308X; NHGRI BIC and internal testing), providing supporting evidence for a benign role. At least two publications report experimental evidence evaluating an impact on protein function. These results showed no damaging effect of this variant (example, Woods_2016, Fernandes_2019, Nepomuceno_2022). The following publications have been ascertained in the context of this evaluation (PMID: 24728327, 20104584, 21520273, 30400234, 22682623, 30765603, 27843123, 16267036, 36329109, 36171434, 30212499, 28781887). ClinVar contains an entry for this variant (Variation ID: 89064). Based on the evidence outlined above, the variant was classified as likely benign.

Institute for Biomarker Research, Medical Diagnostic Laboratories, L.L.C.
Classification: Uncertain significance for Hereditary breast ovarian cancer syndrome. Last evaluated: 2024-03-22. Review status: criteria provided, single submitter. Criteria: ACMG Guidelines, 2015. Collection method: clinical testing. Allele origin: germline.

Blueprint Genetics
Classification: Likely benign. Last evaluated: 2024-01-11. Review status: criteria provided, single submitter. Criteria: ACMG Guidelines, 2015. Collection method: clinical testing. Allele origin: germline.

ARUP Laboratories, Molecular Genetics and Genomics, ARUP Laboratories
Classification: Likely benign. Last evaluated: 2023-07-26. Review status: criteria provided, single submitter. Criteria: ARUP Molecular Germline Variant Investigation Process 2024. Collection method: clinical testing. Allele origin: germline.

Genetics Program, Instituto Nacional de Cancer
Classification: Likely benign for Hereditary breast ovarian cancer syndrome. Last evaluated: 2021-11-01. Review status: criteria provided, single submitter. Criteria: ACMG Guidelines, 2015. Collection method: research. Allele origin: germline. Affected: yes.

Sema4
Classification: Likely benign for Hereditary cancer-predisposing syndrome. Last evaluated: 2021-09-10. Review status: criteria provided, single submitter. Criteria: Sema4 Curation Guidelines. Collection method: curation. Allele origin: germline.

Department of Pathology and Laboratory Medicine, Sinai Health System
Classification: Likely benign for Familial cancer of breast; Breast-ovarian cancer, familial, susceptibility to, 1; Fanconi anemia, complementation group S. Last evaluated: 2021-07-28. Review status: criteria provided, single submitter. Criteria: ACMG Guidelines, 2015. Collection method: clinical testing. Allele origin: germline. Affected: yes.

GeneDx
Classification: Likely benign. Last evaluated: 2021-03-12. Review status: criteria provided, single submitter. Criteria: GeneDx Variant Classification Process June 2021. Collection method: clinical testing. Allele origin: germline. Affected: yes.
Comment: This variant is associated with the following publications: (PMID: 30400234, 15385441, 24728327, 20104584, 22682623, 16267036, 27843123, 28781887, 23704879, 21520273)

Color Diagnostics, LLC DBA Color Health
Classification: Likely benign for Hereditary cancer-predisposing syndrome. Last evaluated: 2016-07-11. Review status: criteria provided, single submitter. Criteria: ACMG Guidelines, 2015. Collection method: clinical testing. Allele origin: germline.

Eurofins Ntd Llc (ga)
Classification: Uncertain significance. Last evaluated: 2016-01-11. Review status: criteria provided, single submitter. Criteria: EGL Classification Definitions 2015. Collection method: clinical testing. Allele origin: germline. Observed: 5 variant alleles, 5 heterozygotes.

Ambry Genetics
Classification: Benign for Hereditary cancer-predisposing syndrome. Last evaluated: 2015-03-19. Review status: criteria provided, single submitter. Criteria: Ambry Variant Classification Scheme 2023. Collection method: clinical testing. Allele origin: germline.

ITMI
No classification provided. Condition: AllHighlyPenetrant. Last evaluated: 2013-09-19. Review status: no classification provided. Collection method: reference population. Allele origin: germline. Not counted in ClinVar's aggregate classification.
Comment: Please see associated publication for description of ethnicities

Sharing Clinical Reports Project (SCRP)
Classification: Benign for Breast-ovarian cancer, familial 1. Last evaluated: 2010-09-22. Review status: no assertion criteria provided. Collection method: clinical testing. Allele origin: germline. Not counted in ClinVar's aggregate classification.

Breast Cancer Information Core (BIC) (BRCA1)
Classification: Uncertain significance for Breast-ovarian cancer, familial 1. Last evaluated: 2003-12-23. Review status: no assertion criteria provided. Collection method: clinical testing. Allele origin: germline. Affected: yes. Observed: 2 variant alleles. Not counted in ClinVar's aggregate classification.

Literature cited by the submitters: PubMed 27843123 (cited by Quest Diagnostics Nichols Institute San Juan Capistrano and Women's Health and Genetics/Laboratory Corporation of America, LabCorp); PubMed 23704879 (cited by Quest Diagnostics Nichols Institute San Juan Capistrano); PubMed 28781887 (cited by 4 submitters); PubMed 36329109 (cited by 3 submitters); PubMed 20104584 (cited by 6 submitters); PubMed 22682623 (cited by 4 submitters); PubMed 24728327 (cited by 4 submitters); PubMed 30400234 (cited by 3 submitters); PubMed 30765603 (cited by 4 submitters); PubMed 16267036 (cited by 3 submitters); PubMed 31131967 (cited by Mayo Clinic Laboratories, Mayo Clinic); PubMed 21520273 (cited by Women's Health and Genetics/Laboratory Corporation of America, LabCorp and Sema4); PubMed 30212499 (cited by Women's Health and Genetics/Laboratory Corporation of America, LabCorp); PubMed 36171434 (cited by Women's Health and Genetics/Laboratory Corporation of America, LabCorp).